The following is an entry in ClinVar:

NM_004493.3(HSD17B10):c.508G>A (p.Ala170Thr)

Gene: HSD17B10 (hydroxysteroid 17-beta dehydrogenase 10; minus strand). Cytogenetic location: Xp11.22.
Variant type: single nucleotide variant.
Coding change: c.508G>A on transcript NM_004493.3 (MANE Select); coding-DNA position 508, G replaced by A.
Protein change: p.Ala170Thr; replaces alanine 170 with threonine.
Molecular consequence: missense variant.
Genome position (GRCh38, 1-based): chrX:53,431,885, C>T on the plus strand (G>A on the coding strand, the complement: HSD17B10 is on the minus strand). VCF-style: chrX-53431885-C-T. GRCh37 (hg19) VCF-style: chrX-53458833-C-T.
Other names: c.508G>A, p.Ala170Thr (NM_001037811.2); short protein forms A170T.
Identifiers: ClinVar variation 1690942 (VCV001690942.2), dbSNP rs2146627918, ClinGen allele CA413151630.

ClinVar aggregate classification (germline): Uncertain significance (1 of 4 stars; one submission).

Submission:

Laboratorio de Genetica e Diagnostico Molecular, Hospital Israelita Albert Einstein
Classification: Uncertain significance. Last evaluated: 2019-05-25. Review status: criteria provided, single submitter. Criteria: ACMG Guidelines, 2015. Collection method: clinical testing. Allele origin: germline. Affected: yes.
Comment: ACMG classification criteria: PM2, PP2, PP3